The following is an entry in ClinVar:

NM_198859.4(PRICKLE2):c.*133G>A

Genes: PRICKLE2 (prickle planar cell polarity protein 2; minus strand), PRICKLE2-AS1 (PRICKLE2 antisense RNA 1; plus strand). Cytogenetic location: 3p14.1.
Variant type: single nucleotide variant.
Coding change: c.*133G>A on transcript NM_198859.4 (MANE Select); 133 bases downstream of the stop codon, G replaced by A.
Molecular consequence: 3 prime UTR variant. On other transcripts: non-coding transcript variant (1).
Genome position (GRCh38, 1-based): chr3:64,098,918, C>T on the plus strand (G>A on the coding strand, the complement: PRICKLE2 is on the minus strand). VCF-style: chr3-64098918-C-T. GRCh37 (hg19) VCF-style: chr3-64084594-C-T.
Other names: c.*133G>A (NM_001370528.1).
Identifiers: ClinVar variation 346470 (VCV000346470.5), dbSNP rs370569305, ClinGen allele CA10619406.

ClinVar aggregate classification (germline): Likely benign (1 of 4 stars; one submission).

Conditions:
Progressive myoclonic epilepsy. Also called: Progressive myoclonus epilepsy; Myoclonus epilepsy; Familial progressive myoclonic epilepsy; Myoclonic Epilepsies, Progressive. Identifiers: Orphanet 308, Orphanet 98261, MedGen C0751778, MONDO:0020074.

Allele frequency attached by ClinVar (database versions not stated): gnomAD exomes 0.00015; gnomAD 0.00021 and 0.00031; TOPMed 0.00023; 1000 Genomes Project 0.00200; 1000 Genomes Project 30x 0.00203.
gnomAD v4.1: 202 of 965,242 alleles (0.021%); highest among the groups gnomAD compares: East Asian, 0.19%; 2 homozygotes.

Submission:

Illumina Laboratory Services, Illumina
Classification: Likely benign for Progressive myoclonic epilepsy. Last evaluated: 2018-01-13. Review status: criteria provided, single submitter. Criteria: ICSL Variant Classification Criteria 13 December 2019. Collection method: clinical testing. Allele origin: germline.
Comment: This variant was observed in the ICSL laboratory as part of a predisposition screen in an ostensibly healthy population. It had not been previously curated by ICSL or reported in the Human Gene Mutation Database (HGMD: prior to June 1st, 2018), and was therefore a candidate for classification through an automated scoring system. Utilizing variant allele frequency, disease prevalence and penetrance estimates, and inheritance mode, an automated score was calculated to assess if this variant is too frequent to cause the disease. Based on the score and internal cut-off values, a variant classified as likely benign is not then subjected to further curation. The score for this variant resulted in a classification of likely benign for this disease.